The following is an entry in ClinVar:

ClinVar aggregate classification (germline): Likely pathogenic (1 of 4 stars; one submission).

Conditions:
Progressive muscular dystrophy. Identifiers: Orphanet 206644, MedGen C4551827, MONDO:0016106.

Submission:

Myriad Genetics, Inc.
Classification: Likely pathogenic for Progressive muscular dystrophy. Last evaluated: 2022-02-25. Review status: criteria provided, single submitter. Criteria: Myriad Autosomal Dominant, Autosomal Recessive and X-Linked Classification Criteria (2023). Collection method: clinical testing. Allele origin: unknown.
Comment: NM_004006.2(DMD):c.5767A>T(K1923*) is expected to be pathogenic in the context of dystrophinopathy (including Duchenne/Becker muscular dystrophy). This variant is predicted to lead to an abnormal or absent protein product due to the creation of a premature termination codon in DMD, a gene where loss-of-function variants are known to be pathogenic. Please note: this variant was assessed in the context of healthy population screening.

NM_004006.3(DMD):c.5767A>T (p.Lys1923Ter)

Gene: DMD (dystrophin; minus strand). Cytogenetic location: Xp21.1.
Variant type: single nucleotide variant.
Coding change: c.5767A>T on transcript NM_004006.3 (MANE Select); coding-DNA position 5767, A replaced by T.
Protein change: p.Lys1923Ter; replaces lysine 1923 with a stop codon.
Molecular consequence: nonsense.
Genome position (GRCh38, 1-based): chrX:32,342,255, T>A on the plus strand (A>T on the coding strand, the complement: DMD is on the minus strand). VCF-style: chrX-32342255-T-A. GRCh37 (hg19) VCF-style: chrX-32360372-T-A.
Other names: c.5743A>T, p.Lys1915Ter (NM_000109.4); c.5755A>T, p.Lys1919Ter (NM_004009.3); c.5398A>T, p.Lys1800Ter (NM_004010.3); c.1744A>T, p.Lys582Ter (NM_004011.4); c.1735A>T, p.Lys579Ter (NM_004012.4); short protein forms K1800*, K1915*, K1919*, K1923*, K579*, K582*.
Identifiers: ClinVar variation 1724713 (VCV001724713.3), dbSNP rs2521812764, ClinGen allele CA412665262.